The following is an entry in ClinVar:

ClinVar aggregate classification (germline): Uncertain significance (1 of 4 stars; one submission).

Conditions:
Congenital myasthenic syndrome 8. Also called: Myasthenic syndrome, congenital, 8, with pre- and postsynaptic defects; MYASTHENIC SYNDROME, CONGENITAL, DUE TO AGRIN DEFICIENCY. Identifiers: Orphanet 590, MedGen C3808739, MONDO:0014052, OMIM 615120.

Submission:

Labcorp Genetics (formerly Invitae), Labcorp
Classification: Uncertain significance for Congenital myasthenic syndrome 8. Last evaluated: 2022-05-18. Review status: criteria provided, single submitter. Criteria: Invitae Variant Classification Sherloc (09022015). Collection method: clinical testing. Allele origin: germline.
Comment: This variant, c.32_40del, results in the deletion of 3 amino acid(s) of the AGRN protein (p.Arg11_Leu13del), but otherwise preserves the integrity of the reading frame. This variant is present in population databases (no rsID available, gnomAD 0.007%). This variant has not been reported in the literature in individuals affected with AGRN-related conditions. Experimental studies and prediction algorithms are not available or were not evaluated, and the functional significance of this variant is currently unknown. In summary, the available evidence is currently insufficient to determine the role of this variant in disease. Therefore, it has been classified as a Variant of Uncertain Significance.

NM_198576.4(AGRN):c.32_40del (p.Arg11_Leu13del)

Gene: AGRN (agrin; plus strand). Cytogenetic location: 1p36.33.
Variant type: Deletion.
Coding change: c.32_40del on transcript NM_198576.4 (MANE Select); coding-DNA positions 32 to 40, 9 bases deleted (GGCCGCTGC; older notation c.32_40delGGCCGCTGC).
Protein change: p.Arg11_Leu13del.
Molecular consequence: inframe deletion.
Genome position (GRCh38, 1-based): chr1:1,020,204-1,020,212, GGCCGCTGC deleted; deleting any 9 consecutive bases within chr1:1,020,197-1,020,212 gives the same sequence; the c. name uses the placement nearest the transcript's 3' end. VCF-style (leftmost placement, unchanged base first): chr1-1020196-CCCGCTGCGG-C. GRCh37 (hg19) VCF-style: chr1-955576-CCCGCTGCGG-C.
Other names: c.32_40del, p.Arg11_Leu13del (NM_001305275.2).
Identifiers: ClinVar variation 1913837 (VCV001913837.2), dbSNP rs1293683948, ClinGen allele CA520659355.
Genomic context (GRCh38, chr1:1,020,196, plus strand): 5'-CGGCCCGCGCGCTCCTCCGCCGCCTCTCGCCTGCGCCATGGCCGGCCGGTCCCACCCGGG[CCCGCTGCGG>C]CCGCTGCTGCCGCTCCTTGTGGTGGCCGCGTGCGTCCTGCCCGGAGCCGGCGGGACATGC-3'